The following is an entry in ClinVar:

ClinVar aggregate classification (germline): Uncertain significance (1 of 4 stars; one submission).

Allele frequency attached by ClinVar (database versions not stated): gnomAD exomes below 0.00001; TOPMed below 0.00001; gnomAD 0.00001.
gnomAD v4.1: 4 of 1,612,136 alleles (0.00025%); highest among the groups gnomAD compares: South Asian, 0.0011%; no homozygotes.

Submission:

GeneDx
Classification: Uncertain significance. Last evaluated: 2022-12-12. Review status: criteria provided, single submitter. Criteria: GeneDx Variant Classification Process June 2021. Collection method: clinical testing. Allele origin: germline. Affected: yes.
Comment: Not observed at significant frequency in large population cohorts (gnomAD); In silico analysis supports that this missense variant does not alter protein structure/function; Has not been previously published as pathogenic or benign to our knowledge

NM_001387430.1(SH2B1):c.806G>T (p.Gly269Val)

Gene: SH2B1 (SH2B adaptor protein 1; plus strand). Cytogenetic location: 16p11.2.
Variant type: single nucleotide variant.
Coding change: c.806G>T on transcript NM_001387430.1 (MANE Select); coding-DNA position 806, G replaced by T.
Protein change: p.Gly269Val; replaces glycine 269 with valine.
Molecular consequence: missense variant. On other transcripts: intron variant (1).
Genome position (GRCh38, 1-based): chr16:28,866,900, G>T. VCF-style: chr16-28866900-G-T. GRCh37 (hg19) VCF-style: chr16-28878221-G-T.
Other names: c.806G>T, p.Gly269Val (NM_001145795.2, NM_001145796.2, NM_001145797.2 and 4 more transcripts); c.-26-474G>T (NM_001308294.2); short protein forms G269V.
Identifiers: ClinVar variation 2504869 (VCV002504869.1), dbSNP rs1365826803, ClinGen allele CA395424836.